The following is an entry in ClinVar:

NM_022124.6(CDH23):c.10024G>A (p.Asp3342Asn)

Gene: CDH23 (cadherin related 23; plus strand). Cytogenetic location: 10q22.1.
Variant type: single nucleotide variant.
Coding change: c.10024G>A on transcript NM_022124.6 (MANE Select); coding-DNA position 10024, G replaced by A.
Protein change: p.Asp3342Asn; replaces aspartic acid 3342 with asparagine.
Molecular consequence: missense variant.
Genome position (GRCh38, 1-based): chr10:71,815,237, G>A. VCF-style: chr10-71815237-G-A. GRCh37 (hg19) VCF-style: chr10-73574994-G-A.
Other names: c.3304G>A, p.Asp1102Asn (NM_001171933.1); c.3199G>A, p.Asp1067Asn (NM_001171934.1); c.715G>A, p.Asp239Asn (NM_001171935.1); c.610G>A, p.Asp204Asn (NM_001171936.1); short protein forms D239N, D1067N, D1102N, D3342N, D204N.
Identifiers: ClinVar variation 2081779 (VCV002081779.4), dbSNP rs372619247, ClinGen allele CA5547247.

ClinVar aggregate classification (germline): Uncertain significance. Review status: criteria provided, multiple submitters, no conflicts (2 of 4 stars). 4 submissions from 4 submitters: Uncertain significance (4). Last evaluated 2026-08-01.

Conditions:
Inborn genetic diseases. Identifiers: MedGen C0950123, MeSH D030342.

Allele frequency attached by ClinVar (database versions not stated): gnomAD exomes 0.00001; ExAC 0.00007; ESP Exome Variant Server 0.00008; gnomAD 0.00009; TOPMed 0.00009; 1000 Genomes Project 30x 0.00031; 1000 Genomes Project 0.00040.
gnomAD v4.1: 28 of 1,593,030 alleles (0.0018%); highest among the groups gnomAD compares: African/African-American, 0.02%; no homozygotes.

Submissions (4):

CeGaT Center for Human Genetics Tuebingen
Classification: Uncertain significance. Last evaluated: 2026-08-01. Review status: criteria provided, single submitter. Criteria: CeGaT Center For Human Genetics Tuebingen Variant Classification Criteria Version 2. Collection method: clinical testing. Allele origin: germline. Affected: yes. Observed: 1 variant allele.
Comment: CDH23: PM2

GeneDx
Classification: Uncertain significance. Last evaluated: 2025-04-10. Review status: criteria provided, single submitter. Criteria: GeneDx Variant Classification Process June 2021. Collection method: clinical testing. Allele origin: germline. Affected: yes.
Comment: In silico analysis indicates that this missense variant does not alter protein structure/function; Has not been previously published as pathogenic or benign to our knowledge

Ambry Genetics
Classification: Uncertain significance for Inborn genetic diseases. Last evaluated: 2024-02-21. Review status: criteria provided, single submitter. Criteria: Ambry Variant Classification Scheme 2023. Collection method: clinical testing. Allele origin: germline.

Labcorp Genetics (formerly Invitae), Labcorp
Classification: Uncertain significance. Last evaluated: 2022-09-27. Review status: criteria provided, single submitter. Criteria: Invitae Variant Classification Sherloc (09022015). Collection method: clinical testing. Allele origin: germline.
Comment: This sequence change replaces aspartic acid, which is acidic and polar, with asparagine, which is neutral and polar, at codon 3342 of the CDH23 protein (p.Asp3342Asn). This variant is present in population databases (rs372619247, gnomAD 0.02%). This variant has not been reported in the literature in individuals affected with CDH23-related conditions. Advanced modeling of protein sequence and biophysical properties (such as structural, functional, and spatial information, amino acid conservation, physicochemical variation, residue mobility, and thermodynamic stability) performed at Invitae indicates that this missense variant is not expected to disrupt CDH23 protein function. In summary, the available evidence is currently insufficient to determine the role of this variant in disease. Therefore, it has been classified as a Variant of Uncertain Significance.